The following is an entry in ClinVar:

ClinVar aggregate classification (germline): Pathogenic. Review status: criteria provided, multiple submitters, no conflicts (2 of 4 stars). 3 submissions from 3 submitters: Pathogenic (3). Last evaluated 2024-07-01.

Conditions:
Neurodevelopmental delay. Identifiers: MedGen C4022738, HP:0012758.
TARP syndrome (TARPS). Also called: PIERRE ROBIN SYNDROME WITH CONGENITAL HEART MALFORMATION AND CLUBFOOT; TALIPES EQUINOVARUS, ATRIAL SEPTAL DEFECT, ROBIN SEQUENCE, AND PERSISTENCE OF LEFT SUPERIOR VENA CAVA. Identifiers: Orphanet 2886, MedGen C1839463, MONDO:0010711, OMIM 311900.

Submissions (3):

CeGaT Center for Human Genetics Tuebingen
Classification: Pathogenic. Last evaluated: 2024-07-01. Review status: criteria provided, single submitter. Criteria: CeGaT Center For Human Genetics Tuebingen Variant Classification Criteria Version 2. Collection method: clinical testing. Allele origin: germline. Affected: yes. Observed: 1 variant allele.
Comment: RBM10: PVS1, PM2

Victorian Clinical Genetics Services, Murdoch Childrens Research Institute
Classification: Pathogenic for TARP syndrome. Last evaluated: 2023-12-21. Review status: criteria provided, single submitter. Criteria: ACMG Guidelines, 2015. Collection method: clinical testing. Allele origin: germline. Inheritance: X-linked recessive inheritance. Affected: yes.
Comment: Based on the classification scheme VCGS_Germline_v1.3.4, this variant is classified as Pathogenic. Following criteria are met: 0102 - Loss of function is a known mechanism of disease in this gene and is associated with TARP syndrome (MIM#311900). (I) 0109 - This gene is associated with X-linked recessive disease. (I) 0201 - Variant is predicted to cause nonsense-mediated decay (NMD) and loss of protein (premature termination codon is located at least 54 nucleotides upstream of the final exon-exon junction). (SP) 0253 - This variant is hemizygous. (I) 0301 - Variant is absent from gnomAD (both v2 and v3). (SP) 0701 - Other NMD-predicted variants comparable to the one identified in this case have very strong previous evidence for pathogenicity. Many NMD-predicted variants have previously been reported as likely pathogenic and pathogenic (ClinVar). (SP) 0803 - This variant has limited previous evidence of pathogenicity in unrelated individuals. (SP) 0905 - No published segregation evidence has been identified for this variant. (I) 1007 - No published functional evidence has been identified for this variant. (I) Legend: (SP) - Supporting pathogenic, (I) - Information, (SB) - Supporting benign

Centre de Biologie Pathologie Génétique, Centre Hospitalier Universitaire de Lille
Classification: Pathogenic for Neurodevelopmental delay. Review status: criteria provided, single submitter. Criteria: ACMG Guidelines, 2015. Collection method: clinical testing. Allele origin: inherited. Affected: yes.

NM_005676.5(RBM10):c.292C>T (p.Arg98Ter)

Gene: RBM10 (RNA binding motif protein 10; plus strand). Cytogenetic location: Xp11.3.
Variant type: single nucleotide variant.
Coding change: c.292C>T on transcript NM_005676.5 (MANE Select); coding-DNA position 292, C replaced by T.
Protein change: p.Arg98Ter; replaces arginine 98 with a stop codon.
Molecular consequence: nonsense. On other transcripts: intron variant (2).
Genome position (GRCh38, 1-based): chrX:47,171,118, C>T. VCF-style: chrX-47171118-C-T. GRCh37 (hg19) VCF-style: chrX-47030517-C-T.
Other names: c.201+1620C>T (NM_001204466.2, NM_152856.3); c.292C>T (NM_005676.4); c.292C>T, p.Arg98Ter (NM_001204467.2); c.487C>T, p.Arg163Ter (NM_001204468.2); short protein forms R163*, R98*.
Identifiers: ClinVar variation 1700155 (VCV001700155.19), dbSNP rs1556772860, ClinGen allele CA412790928.